The following is an entry in ClinVar:

NM_004990.4(MARS1):c.1294-5C>G

Gene: MARS1 (methionyl-tRNA synthetase 1; plus strand). Cytogenetic location: 12q13.3.
Variant type: single nucleotide variant.
Coding change: c.1294-5C>G on transcript NM_004990.4 (MANE Select); 5 bases into the intron before coding-DNA position 1294, C replaced by G.
Molecular consequence: intron variant.
Genome position (GRCh38, 1-based): chr12:57,504,220, C>G. VCF-style: chr12-57504220-C-G. GRCh37 (hg19) VCF-style: chr12-57898003-C-G.
Other names: c.1294-5C>G (NM_004990.3).
Identifiers: ClinVar variation 1681727 (VCV001681727.9), dbSNP rs149946100, ClinGen allele CA237762035.
Genomic context (GRCh38, chr12:57,504,220, plus strand): 5'-CCCCTTGCCTGGACCCCTCCCCTGGCCTGCAGGCCTGATCTGTCCTCTGGAATTTTCCTT[C>G]GCAGAAGCCTCAGTGTAAAGTCTGCCGATCATGCCCTGTGGTGCAGTCGAGCCAGCACCT-3'

ClinVar aggregate classification (germline): Likely benign. Review status: criteria provided, multiple submitters, no conflicts (2 of 4 stars). 2 submissions from 2 submitters: Likely benign (2). Last evaluated 2025-03-20.

Conditions:
Charcot-Marie-Tooth disease axonal type 2U. Also called: CHARCOT-MARIE-TOOTH NEUROPATHY, TYPE 2U; CHARCOT-MARIE-TOOTH DISEASE, AXONAL, AUTOSOMAL DOMINANT, TYPE 2U. Identifiers: Orphanet 397735, MedGen C4084821, MONDO:0014566, OMIM 616280.
Severe early-onset pulmonary alveolar proteinosis due to MARS deficiency. Also called: Interstitial lung and liver disease; PULMONARY ALVEOLAR PROTEINOSIS, REUNION ISLAND. Identifiers: Orphanet 440427, MedGen C4225400, MONDO:0014206, OMIM 615486.
MARS1-related disorder. Also called: MARS1-related condition.

gnomAD v4.1: 14 of 1,613,014 alleles (0.00087%); highest among the groups gnomAD compares: African/African-American, 0.015%; no homozygotes.

Submissions (2):

PreventionGenetics, part of Exact Sciences
Classification: Likely benign for MARS1-related condition. Last evaluated: 2025-03-20. Review status: criteria provided, single submitter. Criteria: ACMG Guidelines, 2015. Collection method: clinical testing. Allele origin: germline.
Comment: This variant is classified as likely benign based on ACMG/AMP sequence variant interpretation guidelines (Richards et al. 2015 PMID: 25741868, with internal and published modifications).

Labcorp Genetics (formerly Invitae), Labcorp
Classification: Likely benign for Charcot-Marie-Tooth disease axonal type 2U; Severe early-onset pulmonary alveolar proteinosis due to MARS deficiency. Last evaluated: 2024-12-10. Review status: criteria provided, single submitter. Criteria: Invitae Variant Classification Sherloc (09022015). Collection method: clinical testing. Allele origin: germline.